The following is an entry in ClinVar:

NM_001349253.2(SCN11A):c.2503G>T (p.Ala835Ser)

Gene: SCN11A (sodium voltage-gated channel alpha subunit 11; minus strand). Cytogenetic location: 3p22.2.
Variant type: single nucleotide variant.
Coding change: c.2503G>T on transcript NM_001349253.2 (MANE Select); coding-DNA position 2503, G replaced by T.
Protein change: p.Ala835Ser; replaces alanine 835 with serine.
Molecular consequence: missense variant.
Genome position (GRCh38, 1-based): chr3:38,894,865, C>A on the plus strand (G>T on the coding strand, the complement: SCN11A is on the minus strand). VCF-style: chr3-38894865-C-A. GRCh37 (hg19) VCF-style: chr3-38936356-C-A.
Other names: c.2503G>T, p.Ala835Ser (NM_014139.3); short protein forms A835S.
Identifiers: ClinVar variation 2922675 (VCV002922675.3), dbSNP rs1356102739, ClinGen allele CA352174999.

ClinVar aggregate classification (germline): Uncertain significance (1 of 4 stars; one submission).

Conditions:
Hereditary sensory and autonomic neuropathy type 7. Also called: Neuropathy, hereditary sensory and autonomic, type VII; HSAN VII. Identifiers: Orphanet 391397, MedGen C3809882, MONDO:0014244, OMIM 615548.
Familial episodic pain syndrome with predominantly lower limb involvement. Also called: Episodic pain syndrome, familial, 3. Identifiers: Orphanet 391384, Orphanet 391392, MedGen C3809899, MONDO:0014247, OMIM 615552.

Allele frequency attached by ClinVar (database versions not stated): gnomAD exomes below 0.00001.
gnomAD v4.1: 2 of 1,614,106 alleles (0.00012%); highest among the groups gnomAD compares: Non-Finnish European, 0.00017%; no homozygotes.

Submission:

Labcorp Genetics (formerly Invitae), Labcorp
Classification: Uncertain significance for Familial episodic pain syndrome with predominantly lower limb involvement; Hereditary sensory and autonomic neuropathy type 7. Last evaluated: 2024-06-11. Review status: criteria provided, single submitter. Criteria: Invitae Variant Classification Sherloc (09022015). Collection method: clinical testing. Allele origin: germline.
Comment: This sequence change replaces alanine, which is neutral and non-polar, with serine, which is neutral and polar, at codon 835 of the SCN11A protein (p.Ala835Ser). This variant is present in population databases (no rsID available, gnomAD 0.0009%). This variant has not been reported in the literature in individuals affected with SCN11A-related conditions. Advanced modeling of protein sequence and biophysical properties (such as structural, functional, and spatial information, amino acid conservation, physicochemical variation, residue mobility, and thermodynamic stability) performed at Invitae indicates that this missense variant is not expected to disrupt SCN11A protein function with a negative predictive value of 80%. In summary, the available evidence is currently insufficient to determine the role of this variant in disease. Therefore, it has been classified as a Variant of Uncertain Significance.